The following is an entry in ClinVar:

ClinVar aggregate classification (germline): Conflicting classifications of pathogenicity. Review status: criteria provided, conflicting classifications (1 of 4 stars). 2 submissions from 2 submitters: Uncertain significance (1); Likely benign (1). Last evaluated 2023-11-03.

Conditions:
Landau-Kleffner syndrome (FESD). Also called: EPILEPSY, FOCAL, WITH SPEECH DISORDER AND WITH OR WITHOUT MENTAL RETARDATION; APHASIA, ACQUIRED, WITH EPILEPSY. Identifiers: Orphanet 1945, Orphanet 725, Orphanet 98818, MedGen C0282512, MONDO:0009509, OMIM 245570.

Allele frequency attached by ClinVar (database versions not stated): gnomAD exomes below 0.00001 and 0.00001.
gnomAD v4.1: 6 of 1,614,052 alleles (0.00037%); highest among the groups gnomAD compares: South Asian, 0.0044%; no homozygotes.

Submissions (2):

Labcorp Genetics (formerly Invitae), Labcorp
Classification: Likely benign for Landau-Kleffner syndrome. Last evaluated: 2023-11-03. Review status: criteria provided, single submitter. Criteria: Invitae Variant Classification Sherloc (09022015). Collection method: clinical testing. Allele origin: germline.

GeneDx
Classification: Uncertain significance. Last evaluated: 2017-03-21. Review status: criteria provided, single submitter. Criteria: GeneDx Variant Classification (06012015). Collection method: clinical testing. Allele origin: germline. Affected: yes.
Comment: A variant of uncertain significance has been identified in the GRIN2A gene. The S1089L variant has not been published as a pathogenic variant, nor has it been reported as a benign variant to our knowledge. The S1089L variant is not observed in large population cohorts (Lek et al., 2016; 1000 Genomes Consortium et al., 2015; Exome Variant Server). The S1089L variant is a non-conservative amino acid substitution, which is likely to impact secondary protein structure as these residues differ in polarity, charge, size and/or other properties. This substitution occurs at a position where amino acids with similar properties to Serine are tolerated across species. However, missense variants in nearby residues have not been reported in the Human Gene Mutation Database in association with GRIN2A-related disorders (Stenson et al., 2014). In silico analysis is inconsistent in its predictions as to whether or not the variant is damaging to the protein structure/function. Therefore, based on the currently available information, it is unclear whether this variant is a pathogenic variant or a rare benign variant.

NM_001134407.3(GRIN2A):c.3266C>T (p.Ser1089Leu)

Gene: GRIN2A (glutamate ionotropic receptor NMDA type subunit 2A; minus strand). Cytogenetic location: 16p13.2.
Variant type: single nucleotide variant.
Coding change: c.3266C>T on transcript NM_001134407.3 (MANE Select); coding-DNA position 3266, C replaced by T.
Protein change: p.Ser1089Leu; replaces serine 1089 with leucine.
Molecular consequence: missense variant.
Genome position (GRCh38, 1-based): chr16:9,764,278, G>A on the plus strand (C>T on the coding strand, the complement: GRIN2A is on the minus strand). VCF-style: chr16-9764278-G-A. GRCh37 (hg19) VCF-style: chr16-9858135-G-A.
Other names: c.3266C>T, p.Ser1089Leu (NM_000833.5, NM_001134408.2); short protein forms S1089L.
Identifiers: ClinVar variation 424462 (VCV000424462.5), dbSNP rs1064796981, ClinGen allele CA16620318.